The following is an entry in ClinVar:

NM_001145026.2(PTPRQ):c.6406G>A (p.Glu2136Lys)

Gene: PTPRQ (protein tyrosine phosphatase receptor type Q; plus strand). Cytogenetic location: 12q21.31.
Variant type: single nucleotide variant.
Coding change: c.6406G>A on transcript NM_001145026.2 (MANE Select); coding-DNA position 6406, G replaced by A.
Protein change: p.Glu2136Lys; replaces glutamic acid 2136 with lysine.
Molecular consequence: missense variant.
Genome position (GRCh38, 1-based): chr12:80,669,417, G>A. VCF-style: chr12-80669417-G-A. GRCh37 (hg19) VCF-style: chr12-81063196-G-A.
Other names: short protein forms E2136K.
Identifiers: ClinVar variation 3602291 (VCV003602291.1).

ClinVar aggregate classification (germline): Uncertain significance (1 of 4 stars; one submission).

gnomAD v4.1: 28 of 1,549,624 alleles (0.0018%); highest among the groups gnomAD compares: Admixed American, 0.0039%; no homozygotes.

Submission:

GeneDx
Classification: Uncertain significance. Last evaluated: 2024-07-31. Review status: criteria provided, single submitter. Criteria: GeneDx Variant Classification Process June 2021. Collection method: clinical testing. Allele origin: germline. Affected: yes.
Comment: Not observed at significant frequency in large population cohorts (gnomAD); In silico analysis supports that this missense variant has a deleterious effect on protein structure/function; Has not been previously published as pathogenic or benign to our knowledge